The following is an entry in ClinVar:

NM_002471.4(MYH6):c.1943C>T (p.Thr648Met)

Gene: MYH6 (myosin heavy chain 6; minus strand). Cytogenetic location: 14q11.2.
Variant type: single nucleotide variant.
Coding change: c.1943C>T on transcript NM_002471.4 (MANE Select); coding-DNA position 1943, C replaced by T.
Protein change: p.Thr648Met; replaces threonine 648 with methionine.
Molecular consequence: missense variant.
Genome position (GRCh38, 1-based): chr14:23,397,562, G>A on the plus strand (C>T on the coding strand, the complement: MYH6 is on the minus strand). VCF-style: chr14-23397562-G-A. GRCh37 (hg19) VCF-style: chr14-23866771-G-A.
Other names: c.1943C>T (NM_002471.3); short protein forms T648M.
Identifiers: ClinVar variation 1427584 (VCV001427584.11), dbSNP rs2138605581, ClinGen allele CA389019679.

ClinVar aggregate classification (germline): Uncertain significance. Review status: criteria provided, multiple submitters, no conflicts (2 of 4 stars). 3 submissions from 3 submitters: Uncertain significance (3). Last evaluated 2025-10-11.

Conditions:
Cardiovascular phenotype. Identifiers: MedGen CN230736.
Hypertrophic cardiomyopathy 14. Identifiers: MedGen C2750467, MONDO:0013197, OMIM 613251.

Allele frequency attached by ClinVar (database versions not stated): gnomAD exomes below 0.00001.
gnomAD v4.1: 2 of 1,614,202 alleles (0.00012%); highest among the groups gnomAD compares: Non-Finnish European, 0.000085%; no homozygotes.

Submissions (3):

GeneDx
Classification: Uncertain significance. Last evaluated: 2025-10-11. Review status: criteria provided, single submitter. Criteria: GeneDx Variant Classification Process June 2021. Collection method: clinical testing. Allele origin: germline.
Comment: Identified in patients with coarctation of the aorta, hypoplastic left heart syndrome, or Shone's complex referred for genetic testing at GeneDx and in published literature (PMID: 33131162); Not observed at significant frequency in large population cohorts (gnomAD); In silico analysis supports that this missense variant has a deleterious effect on protein structure/function; This variant is associated with the following publications: (PMID: 33131162)

Ambry Genetics
Classification: Uncertain significance for Cardiovascular phenotype. Last evaluated: 2024-05-31. Review status: criteria provided, single submitter. Criteria: Ambry Variant Classification Scheme 2023. Collection method: clinical testing. Allele origin: germline.
Comment: The p.T648M variant (also known as c.1943C>T), located in coding exon 14 of the MYH6 gene, results from a C to T substitution at nucleotide position 1943. The threonine at codon 648 is replaced by methionine, an amino acid with similar properties. This variant has been reported in a congenital heart disease cohort (Liu H et al. Hum Mutat, 2020 Dec;41:2167-2178). This amino acid position is highly conserved in available vertebrate species. In addition, this alteration is predicted to be deleterious by in silico analysis. Based on the available evidence, the clinical significance of this variant remains unclear.

Labcorp Genetics (formerly Invitae), Labcorp
Classification: Uncertain significance for Hypertrophic cardiomyopathy 14. Last evaluated: 2024-05-15. Review status: criteria provided, single submitter. Criteria: Invitae Variant Classification Sherloc (09022015). Collection method: clinical testing. Allele origin: germline.
Comment: This sequence change replaces threonine, which is neutral and polar, with methionine, which is neutral and non-polar, at codon 648 of the MYH6 protein (p.Thr648Met). This variant is not present in population databases (gnomAD no frequency). This missense change has been observed in individual(s) with structural cardiac defects (PMID: 33131162). ClinVar contains an entry for this variant (Variation ID: 1427584). Advanced modeling of protein sequence and biophysical properties (such as structural, functional, and spatial information, amino acid conservation, physicochemical variation, residue mobility, and thermodynamic stability) performed at Invitae indicates that this missense variant is expected to disrupt MYH6 protein function with a positive predictive value of 80%. In summary, the available evidence is currently insufficient to determine the role of this variant in disease. Therefore, it has been classified as a Variant of Uncertain Significance.

Literature cited by the submitters: PubMed 33131162 (cited by Ambry Genetics and Labcorp Genetics (formerly Invitae), Labcorp).